The following is an entry in ClinVar:

ClinVar aggregate classification (germline): Uncertain significance (1 of 4 stars; one submission).

Conditions:
Emery-Dreifuss muscular dystrophy 4, autosomal dominant (EDMD4). Also called: EMERY-DREIFUSS MUSCULAR DYSTROPHY 4 WITH VARIABLE FEATURES. Identifiers: Orphanet 261, MedGen C2751807, MONDO:0013071, OMIM 612998.
Autosomal recessive ataxia, Beauce type. Also called: Spinocerebellar ataxia, autosomal recessive 8; ATAXIA, RECESSIVE, OF BEAUCE; SYNE1-Related Autosomal Recessive Cerebellar Ataxia; SYNE1 Deficiency. Identifiers: Orphanet 88644, MedGen C1853116, MONDO:0012549, OMIM 610743.

Allele frequency attached by ClinVar (database versions not stated): ExAC 0.00001; gnomAD 0.00001; gnomAD exomes 0.00001; TOPMed 0.00002.
gnomAD v4.1: 9 of 1,613,870 alleles (0.00056%); highest among the groups gnomAD compares: East Asian, 0.0022%; no homozygotes.

Submission:

Labcorp Genetics (formerly Invitae), Labcorp
Classification: Uncertain significance for Emery-Dreifuss muscular dystrophy 4, autosomal dominant; Autosomal recessive ataxia, Beauce type. Last evaluated: 2022-06-04. Review status: criteria provided, single submitter. Criteria: Invitae Variant Classification Sherloc (09022015). Collection method: clinical testing. Allele origin: germline.
Comment: This sequence change replaces arginine, which is basic and polar, with glutamine, which is neutral and polar, at codon 5540 of the SYNE1 protein (p.Arg5540Gln). In summary, the available evidence is currently insufficient to determine the role of this variant in disease. Therefore, it has been classified as a Variant of Uncertain Significance. Algorithms developed to predict the effect of missense changes on protein structure and function (SIFT, PolyPhen-2, Align-GVGD) all suggest that this variant is likely to be disruptive. ClinVar contains an entry for this variant (Variation ID: 654243). This variant has not been reported in the literature in individuals affected with SYNE1-related conditions. This variant is not present in population databases (gnomAD no frequency).

NM_182961.4(SYNE1):c.16832G>A (p.Arg5611Gln)

Genes: SYNE1 (spectrin repeat containing nuclear envelope protein 1; minus strand), LOC126859837 (BRD4-independent group 4 enhancer GRCh37_chr6:152630775-152631974; plus strand). Cytogenetic location: 6q25.2.
Variant type: single nucleotide variant.
Coding change: c.16832G>A on transcript NM_182961.4 (MANE Select); coding-DNA position 16832, G replaced by A.
Protein change: p.Arg5611Gln; replaces arginine 5611 with glutamine.
Molecular consequence: missense variant.
Genome position (GRCh38, 1-based): chr6:152,310,752, C>T on the plus strand (G>A on the coding strand, the complement: SYNE1 is on the minus strand). VCF-style: chr6-152310752-C-T. GRCh37 (hg19) VCF-style: chr6-152631887-C-T.
Other names: c.16619G>A, p.Arg5540Gln (NM_033071.5); short protein forms R5540Q, R5611Q.
Identifiers: ClinVar variation 654243 (VCV000654243.9), dbSNP rs746879340, ClinGen allele CA4055422.
Genomic context (GRCh38, chr6:152,310,752, plus strand): 5'-GCTGCATCTTGGAGGTTCTGCAAACGAATTTTGATCATCTGTCGCAACTCCTCAGTCTCC[C>T]GTCCCAGTTCTGCCACTTGCTGAGACATTTTTTCTGTACAGTACACGCTAGTGAGGTACT-3'
Protein context (NP_892006.3, residues 5601-5621): KMSQQVAELG[Arg5611Gln]ETEELRQMIK